The following is an entry in ClinVar:

NM_001292063.2(OTOG):c.5068G>A (p.Ala1690Thr)

Gene: OTOG (otogelin; plus strand). Cytogenetic location: 11p15.1.
Variant type: single nucleotide variant.
Coding change: c.5068G>A on transcript NM_001292063.2 (MANE Select); coding-DNA position 5068, G replaced by A.
Protein change: p.Ala1690Thr; replaces alanine 1690 with threonine.
Molecular consequence: missense variant.
Genome position (GRCh38, 1-based): chr11:17,610,368, G>A. VCF-style: chr11-17610368-G-A. GRCh37 (hg19) VCF-style: chr11-17631915-G-A.
Other names: c.5104G>A, p.Ala1702Thr (NM_001277269.2); short protein forms A1690T, A1702T.
Identifiers: ClinVar variation 4088165 (VCV004088165.1).

ClinVar aggregate classification (germline): Uncertain significance (1 of 4 stars; one submission).

Submission:

GeneDx
Classification: Uncertain significance. Last evaluated: 2025-03-28. Review status: criteria provided, single submitter. Criteria: GeneDx Variant Classification Process June 2021. Collection method: clinical testing. Allele origin: germline. Affected: yes.
Comment: Not observed at significant frequency in large population cohorts (gnomAD); In silico analysis indicates that this missense variant does not alter protein structure/function; Has not been previously published as pathogenic or benign to our knowledge